The following is an entry in ClinVar:

ClinVar aggregate classification (germline): Uncertain significance. Review status: criteria provided, multiple submitters, no conflicts (2 of 4 stars). 2 submissions from 2 submitters: Uncertain significance (2). Last evaluated 2023-01-27.

Conditions:
Inborn genetic diseases. Identifiers: MedGen C0950123, MeSH D030342.

gnomAD v4.1: 8 of 1,614,042 alleles (0.0005%); highest among the groups gnomAD compares: Non-Finnish European, 0.00068%; no homozygotes.

Submissions (2):

Athena Diagnostics
Classification: Uncertain significance. Last evaluated: 2023-01-27. Review status: criteria provided, single submitter. Criteria: Athena Diagnostics Criteria. Collection method: clinical testing. Allele origin: unknown.
Comment: Available data are insufficient to determine the clinical significance of the variant at this time. This variant has not been reported in large, multi-ethnic general populations. Computational tools predict that this variant is damaging.

Ambry Genetics
Classification: Uncertain significance for Inborn genetic diseases. Last evaluated: 2022-08-30. Review status: criteria provided, single submitter. Criteria: Ambry Variant Classification Scheme 2023. Collection method: clinical testing. Allele origin: germline.

NM_000083.3(CLCN1):c.1129C>G (p.Arg377Gly)

Gene: CLCN1 (chloride voltage-gated channel 1; plus strand). Cytogenetic location: 7q34.
Variant type: single nucleotide variant.
Coding change: c.1129C>G on transcript NM_000083.3 (MANE Select); coding-DNA position 1129, C replaced by G.
Protein change: p.Arg377Gly; replaces arginine 377 with glycine.
Molecular consequence: missense variant. On other transcripts: non-coding transcript variant (1).
Genome position (GRCh38, 1-based): chr7:143,331,615, C>G. VCF-style: chr7-143331615-C-G. GRCh37 (hg19) VCF-style: chr7-143028708-C-G.
Other names: short protein forms R377G.
Identifiers: ClinVar variation 2309339 (VCV002309339.3), dbSNP rs201714423, ClinGen allele CA369642281.